The following is an entry in ClinVar:

NM_003072.5(SMARCA4):c.2438+1G>T

Gene: SMARCA4 (SWI/SNF related BAF chromatin remodeling complex subunit ATPase 4; plus strand). Cytogenetic location: 19p13.2.
Variant type: single nucleotide variant.
Coding change: c.2438+1G>T on transcript NM_003072.5 (MANE Select); the canonical splice donor site of the intron after coding-DNA position 2438, G replaced by T.
Molecular consequence: splice donor variant.
Genome position (GRCh38, 1-based): chr19:11,013,113, G>T. VCF-style: chr19-11013113-G-T. GRCh37 (hg19) VCF-style: chr19-11123789-G-T.
Other names: NM_003072.5:c.2438+1G>T; NC_000019.9:g.11123789G>T; c.2438+1G>T (NM_001128849.3, NM_001128847.4, NM_001387283.1 and 6 more transcripts).
Identifiers: ClinVar variation 1301991 (VCV001301991.7), dbSNP rs1555774786, ClinGen allele CA404053370.

ClinVar aggregate classification (germline): Likely pathogenic (1 of 4 stars; one submission).

Conditions:
Hereditary cancer-predisposing syndrome. Also called: Tumor predisposition; Neoplastic Syndromes, Hereditary; Hereditary Cancer Syndrome; Hereditary neoplastic syndrome. Identifiers: Orphanet 140162, MedGen C0027672, MeSH D009386, MONDO:0015356.

Submissions (3):

Ambry Genetics
Classification: Likely pathogenic for Hereditary cancer-predisposing syndrome. Last evaluated: 2023-04-14. Review status: criteria provided, single submitter. Criteria: Ambry Variant Classification Scheme 2023. Collection method: clinical testing. Allele origin: germline.
Comment: The c.2438+1G>T intronic variant results from a G to T substitution one nucleotide after coding exon 15 of the SMARCA4 gene. Alterations that disrupt the canonical splice site are expected to cause aberrant splicing, resulting in an abnormal protein or a transcript that is subject to nonsense-mediated mRNA decay. This variant is considered to be rare based on population cohorts in the Genome Aggregation Database (gnomAD). This nucleotide position is highly conserved in available vertebrate species. In silico splice site analysis predicts that this alteration will weaken the native splice donor site. RNA studies have demonstrated that this alteration results in abnormal splicing in the set of samples tested (Ambry internal data). Loss-of-function variants in SMARCA4 are known to cause rhabdoid tumor predisposition syndrome including small cell carcinoma of the ovary-hypercalcemic type (SCCOHT); however, such associations with neurodevelopmental disorders are exceedingly rare (Kosho T et al. Am J Med Genet C Semin Med Genet. 2014 Sep;166C(3):262-75; Jelinic P et al. Nat Genet. 2014 May;46(5):424-6). Based on the supporting evidence, this alteration is likely pathogenic for rhabdoid tumor predisposition syndrome; however, the association of this alteration with Coffin-Siris syndrome is unknown.

Dr. Peter K. Rogan Lab, Western University
No classification provided (evidence only). Condition: Lung cancer. Review status: no classification provided. Collection method: in vitro. Allele origin: not applicable. Functional consequence: skipped exon, retained intron. Not counted in ClinVar's aggregate classification.

MutSpliceDB: a database of splice sites variants effects on splicing, NIH
No classification provided (evidence only). Review status: no classification provided. Collection method: in vivo. Allele origin: not applicable. Functional consequence: retained intron. Not counted in ClinVar's aggregate classification.